The following is an entry in ClinVar:

NM_001105206.3(LAMA4):c.3362A>G (p.His1121Arg)

Gene: LAMA4 (laminin subunit alpha 4; minus strand). Cytogenetic location: 6q21.
Variant type: single nucleotide variant.
Coding change: c.3362A>G on transcript NM_001105206.3 (MANE Select); coding-DNA position 3362, A replaced by G.
Protein change: p.His1121Arg; replaces histidine 1121 with arginine.
Molecular consequence: missense variant.
Genome position (GRCh38, 1-based): chr6:112,136,175, T>C on the plus strand (A>G on the coding strand, the complement: LAMA4 is on the minus strand). VCF-style: chr6-112136175-T-C. GRCh37 (hg19) VCF-style: chr6-112457377-T-C.
Other names: c.3341A>G (NM_002290.3); c.3341A>G, p.His1114Arg (NM_001105207.3, NM_002290.5); short protein forms H1114R, H1121R.
Identifiers: ClinVar variation 1007593 (VCV001007593.10), dbSNP rs1554331472, ClinGen allele CA365377489.

ClinVar aggregate classification (germline): Uncertain significance. Review status: criteria provided, multiple submitters, no conflicts (2 of 4 stars). 2 submissions from 2 submitters: Uncertain significance (2). Last evaluated 2024-10-16.

Conditions:
Dilated cardiomyopathy 1JJ (CMD1JJ). Identifiers: Orphanet 154, MedGen C3808935, MONDO:0014095, OMIM 615235.
Cardiovascular phenotype. Identifiers: MedGen CN230736.

Allele frequency attached by ClinVar (database versions not stated): gnomAD exomes below 0.00001.
gnomAD v4.1: 4 of 1,612,930 alleles (0.00025%); highest among the groups gnomAD compares: Non-Finnish European, 0.00034%; no homozygotes.

Submissions (2):

Labcorp Genetics (formerly Invitae), Labcorp
Classification: Uncertain significance for Dilated cardiomyopathy 1JJ. Last evaluated: 2024-10-16. Review status: criteria provided, single submitter. Criteria: Invitae Variant Classification Sherloc (09022015). Collection method: clinical testing. Allele origin: germline.
Comment: This sequence change replaces histidine, which is basic and polar, with arginine, which is basic and polar, at codon 1114 of the LAMA4 protein (p.His1114Arg). This variant is present in population databases (no rsID available, gnomAD no frequency). This variant has not been reported in the literature in individuals affected with LAMA4-related conditions. ClinVar contains an entry for this variant (Variation ID: 1007593). Invitae Evidence Modeling of protein sequence and biophysical properties (such as structural, functional, and spatial information, amino acid conservation, physicochemical variation, residue mobility, and thermodynamic stability) indicates that this missense variant is not expected to disrupt LAMA4 protein function with a negative predictive value of 80%. In summary, the available evidence is currently insufficient to determine the role of this variant in disease. Therefore, it has been classified as a Variant of Uncertain Significance.

Ambry Genetics
Classification: Uncertain significance for Cardiovascular phenotype. Last evaluated: 2024-09-08. Review status: criteria provided, single submitter. Criteria: Ambry Variant Classification Scheme 2023. Collection method: clinical testing. Allele origin: germline.